The following is an entry in ClinVar:

ClinVar aggregate classification (germline): Uncertain significance. Review status: criteria provided, multiple submitters, no conflicts (2 of 4 stars). 2 submissions from 2 submitters: Uncertain significance (2). Last evaluated 2026-06-23.

Conditions:
Inborn genetic diseases. Identifiers: MedGen C0950123, MeSH D030342.
SEMA3A-related disorder. Also called: SEMA3A-related condition.

gnomAD v4.1: 22 of 1,613,082 alleles (0.0014%); highest among the groups gnomAD compares: Admixed American, 0.018%; no homozygotes.

Submissions (2):

PreventionGenetics, part of Exact Sciences
Classification: Uncertain significance for SEMA3A-related condition. Last evaluated: 2026-06-23. Review status: criteria provided, single submitter. Criteria: ACMG Guidelines, 2015. Collection method: clinical testing. Allele origin: germline.
Comment: The SEMA3A c.599C>T variant is predicted to result in the amino acid substitution p.Ala200Val. To our knowledge, this variant has not been reported in the literature. This variant is reported in 0.0085% of alleles in individuals of Latino descent in gnomAD. At this time, the clinical significance of this variant is uncertain due to the absence of conclusive functional and genetic evidence.

Ambry Genetics
Classification: Uncertain significance for Inborn genetic diseases. Last evaluated: 2025-02-13. Review status: criteria provided, single submitter. Criteria: Ambry Variant Classification Scheme 2023. Collection method: clinical testing. Allele origin: germline.

NM_006080.3(SEMA3A):c.599C>T (p.Ala200Val)

Gene: SEMA3A (semaphorin 3A; minus strand). Cytogenetic location: 7q21.11.
Variant type: single nucleotide variant.
Coding change: c.599C>T on transcript NM_006080.3 (MANE Select); coding-DNA position 599, C replaced by T.
Protein change: p.Ala200Val; replaces alanine 200 with valine.
Molecular consequence: missense variant.
Genome position (GRCh38, 1-based): chr7:84,046,392, G>A on the plus strand (C>T on the coding strand, the complement: SEMA3A is on the minus strand). VCF-style: chr7-84046392-G-A. GRCh37 (hg19) VCF-style: chr7-83675708-G-A.
Other names: short protein forms A200V.
Identifiers: ClinVar variation 3358025 (VCV003358025.3).